The following is an entry in ClinVar:

NM_018486.3(HDAC8):c.516T>A (p.Ile172=)

Gene: HDAC8 (histone deacetylase 8; minus strand). Cytogenetic location: Xq13.1.
Variant type: single nucleotide variant.
Coding change: c.516T>A on transcript NM_018486.3 (MANE Select); coding-DNA position 516, T replaced by A.
Protein change: p.Ile172=; no amino-acid change (isoleucine 172 retained).
Molecular consequence: synonymous variant. On other transcripts: non-coding transcript variant (1).
Genome position (GRCh38, 1-based): chrX:72,495,190, A>T on the plus strand (T>A on the coding strand, the complement: HDAC8 is on the minus strand). VCF-style: chrX-72495190-A-T. GRCh37 (hg19) VCF-style: chrX-71715040-A-T.
Other names: c.243T>A, p.Ile81= (NM_001166418.2, NM_001166448.2); c.516T>A, p.Ile172= (NM_001166419.2).
Identifiers: ClinVar variation 712765 (VCV000712765.11), dbSNP rs61752447, ClinGen allele CA10450252.

ClinVar aggregate classification (germline): Benign. Review status: criteria provided, multiple submitters, no conflicts (2 of 4 stars). 3 submissions from 3 submitters: Benign (2). 1 of the submissions does not count toward it. Last evaluated 2025-10-13.

Conditions:
HDAC8-related disorder. Also called: HDAC8-related condition.
Cornelia de Lange syndrome 5 (CDLS5). Also called: HDAC8-Related Cornelia de Lange Syndrome. Identifiers: Orphanet 199, MedGen C3550903, MONDO:0010471, OMIM 300882.

Allele frequency attached by ClinVar (database versions not stated): gnomAD 0.00002 and 0.00022; TOPMed 0.00006; gnomAD exomes 0.00047 and 0.00091; 1000 Genomes Project 30x 0.00104; ExAC 0.00104; 1000 Genomes Project 0.00106.
gnomAD v4.1: 546 of 1,206,087 alleles (0.045%); highest among the groups gnomAD compares: South Asian, 0.9%; 7 homozygotes.

Submissions (3):

Labcorp Genetics (formerly Invitae), Labcorp
Classification: Benign for Cornelia de Lange syndrome 5. Last evaluated: 2025-10-13. Review status: criteria provided, single submitter. Criteria: Invitae Variant Classification Sherloc (09022015). Collection method: clinical testing. Allele origin: germline.

Blueprint Genetics
Classification: Benign. Last evaluated: 2024-11-07. Review status: criteria provided, single submitter. Criteria: ACMG Guidelines, 2015. Collection method: clinical testing. Allele origin: germline.

PreventionGenetics, part of Exact Sciences
Classification: Likely benign for HDAC8-related condition. Last evaluated: 2023-08-17. Review status: no assertion criteria provided. Collection method: clinical testing. Allele origin: germline. Not counted in ClinVar's aggregate classification.
Comment: This variant is classified as likely benign based on ACMG/AMP sequence variant interpretation guidelines (Richards et al. 2015 PMID: 25741868, with internal and published modifications).